The following is an entry in ClinVar:

NM_024675.4(PALB2):c.3027T>C (p.Pro1009=)

Gene: PALB2 (partner and localizer of BRCA2; minus strand). Cytogenetic location: 16p12.2.
Variant type: single nucleotide variant.
Coding change: c.3027T>C on transcript NM_024675.4 (MANE Select); coding-DNA position 3027, T replaced by C.
Protein change: p.Pro1009=; no amino-acid change (proline 1009 retained).
Molecular consequence: synonymous variant.
Genome position (GRCh38, 1-based): chr16:23,621,448, A>G on the plus strand (T>C on the coding strand, the complement: PALB2 is on the minus strand). VCF-style: chr16-23621448-A-G. GRCh37 (hg19) VCF-style: chr16-23632769-A-G.
Identifiers: ClinVar variation 231804 (VCV000231804.14), dbSNP rs876659376, ClinGen allele CA10579937.

ClinVar aggregate classification (germline): Benign/Likely benign. Review status: criteria provided, multiple submitters, no conflicts (2 of 4 stars). 5 submissions from 5 submitters: Benign (1); Likely benign (4). Last evaluated 2025-11-12.

Conditions:
Hereditary cancer-predisposing syndrome. Also called: Neoplastic Syndromes, Hereditary; Tumor predisposition; Hereditary Cancer Syndrome; Hereditary neoplastic syndrome. Identifiers: Orphanet 140162, MedGen C0027672, MeSH D009386, MONDO:0015356.
Familial cancer of breast. Also called: BREAST CANCER, FAMILIAL; hereditary breast carcinoma; Hereditary breast cancer. Identifiers: Orphanet 227535, MedGen C0346153, MONDO:0016419, OMIM 114480. Disease mechanism: loss of function.

Allele frequency attached by ClinVar (database versions not stated): gnomAD exomes below 0.00001 and 0.00001.
gnomAD v4.1: 12 of 1,614,080 alleles (0.00074%); highest among the groups gnomAD compares: Non-Finnish European, 0.00085%; no homozygotes.

Submissions (5):

Labcorp Genetics (formerly Invitae), Labcorp
Classification: Likely benign for Familial cancer of breast. Last evaluated: 2025-11-12. Review status: criteria provided, single submitter. Criteria: Invitae Variant Classification Sherloc (09022015). Collection method: clinical testing. Allele origin: germline.

Myriad Genetics, Inc.
Classification: Benign for Familial cancer of breast. Last evaluated: 2025-01-21. Review status: criteria provided, single submitter. Criteria: Myriad Autosomal Dominant, Autosomal Recessive and X-Linked Classification Criteria (2023). Collection method: clinical testing. Allele origin: unknown.
Comment: This variant is considered benign. This variant is a silent/synonymous amino acid change and it is not expected to impact splicing.

Sema4
Classification: Likely benign for Hereditary cancer-predisposing syndrome. Last evaluated: 2022-02-03. Review status: criteria provided, single submitter. Criteria: Sema4 Curation Guidelines. Collection method: curation. Allele origin: germline.

GeneDx
Classification: Likely benign. Last evaluated: 2017-10-16. Review status: criteria provided, single submitter. Criteria: GeneDx Variant Classification (06012015). Collection method: clinical testing. Allele origin: germline. Affected: yes.
Comment: This variant is considered likely benign or benign based on one or more of the following criteria: it is a conservative change, it occurs at a poorly conserved position in the protein, it is predicted to be benign by multiple in silico algorithms, and/or has population frequency not consistent with disease.

Ambry Genetics
Classification: Likely benign for Hereditary cancer-predisposing syndrome. Last evaluated: 2015-06-07. Review status: criteria provided, single submitter. Criteria: Ambry Variant Classification Scheme 2023. Collection method: clinical testing. Allele origin: germline.